The following is an entry in ClinVar:

ClinVar aggregate classification (germline): Uncertain significance. Review status: criteria provided, multiple submitters, no conflicts (2 of 4 stars). 2 submissions from 2 submitters: Uncertain significance (2). Last evaluated 2023-09-21.

Conditions:
Hereditary cancer-predisposing syndrome. Also called: Neoplastic Syndromes, Hereditary; Tumor predisposition; Hereditary neoplastic syndrome; Hereditary Cancer Syndrome. Identifiers: Orphanet 140162, MedGen C0027672, MeSH D009386, MONDO:0015356.

gnomAD v4.1: 1 of 1,585,760 alleles (0.000063%); highest among the groups gnomAD compares: African/African-American, 0.0013%; no homozygotes.

Submissions (2):

Ambry Genetics
Classification: Uncertain significance for Hereditary cancer-predisposing syndrome. Last evaluated: 2023-09-21. Review status: criteria provided, single submitter. Criteria: Ambry Variant Classification Scheme 2023. Collection method: clinical testing. Allele origin: germline.
Comment: The p.E35D variant (also known as c.105G>C), located in coding exon 1 of the NTHL1 gene, results from a G to C substitution at nucleotide position 105. The glutamic acid at codon 35 is replaced by aspartic acid, an amino acid with highly similar properties. This amino acid position is not well conserved in available vertebrate species. In addition, this alteration is predicted to be tolerated by in silico analysis. Since supporting evidence is limited at this time, the clinical significance of this alteration remains unclear.

Labcorp Genetics (formerly Invitae), Labcorp
Classification: Uncertain significance. Last evaluated: 2022-11-15. Review status: criteria provided, single submitter. Criteria: Invitae Variant Classification Sherloc (09022015). Collection method: clinical testing. Allele origin: germline.
Comment: This variant has not been reported in the literature in individuals affected with NTHL1-related conditions. This variant is not present in population databases (gnomAD no frequency). This sequence change replaces glutamic acid, which is acidic and polar, with aspartic acid, which is acidic and polar, at codon 35 of the NTHL1 protein (p.Glu35Asp). In summary, the available evidence is currently insufficient to determine the role of this variant in disease. Therefore, it has been classified as a Variant of Uncertain Significance. Algorithms developed to predict the effect of missense changes on protein structure and function output the following: SIFT: "Not Available"; PolyPhen-2: "Benign"; Align-GVGD: "Not Available". The aspartic acid amino acid residue is found in multiple mammalian species, which suggests that this missense change does not adversely affect protein function. ClinVar contains an entry for this variant (Variation ID: 662824).

NM_002528.7(NTHL1):c.81G>C (p.Glu27Asp)

Gene: NTHL1 (nth like DNA glycosylase 1; minus strand). Cytogenetic location: 16p13.3.
Variant type: single nucleotide variant.
Coding change: c.81G>C on transcript NM_002528.7 (MANE Select); coding-DNA position 81, G replaced by C.
Protein change: p.Glu27Asp; replaces glutamic acid 27 with aspartic acid.
Molecular consequence: missense variant. On other transcripts: 5 prime UTR variant (1).
Genome position (GRCh38, 1-based): chr16:2,047,743, C>G on the plus strand (G>C on the coding strand, the complement: NTHL1 is on the minus strand). VCF-style: chr16-2047743-C-G. GRCh37 (hg19) VCF-style: chr16-2097744-C-G.
Other names: c.81G>C, p.Glu27Asp (LRG_1366t1, NM_001318193.2); c.-98G>C (NM_001318194.2); short protein forms E27D.
Identifiers: ClinVar variation 662824 (VCV000662824.11), dbSNP rs1596227883, ClinGen allele CA394298338.
Genomic context (GRCh38, chr16:2,047,743, plus strand): 5'-ACGCTCCAGCCACGGCGCGGCGCTACCTGCTGCAGCCTCTCTTCTCCGGAGAGGCCCGGG[C>G]TCCTCCCTACACCCCCGCGGCCCAGCCCCGGGTCCCAGGCTCCGGCTCCGGGTCAGCATC-3'
Protein context (NP_002519.2, residues 17-37): PGAGPRGCRE[Glu27Asp]PGPLRRREAA